The following is an entry in ClinVar:

NM_001035.3(RYR2):c.12821T>C (p.Met4274Thr)

Genes: RYR2 (ryanodine receptor 2; plus strand), LOC126806068 (BRD4-independent group 4 enhancer GRCh37_chr1:237947411-237948610; plus strand). Cytogenetic location: 1q43.
Variant type: single nucleotide variant.
Coding change: c.12821T>C on transcript NM_001035.3 (MANE Select); coding-DNA position 12821, T replaced by C.
Protein change: p.Met4274Thr; replaces methionine 4274 with threonine.
Molecular consequence: missense variant.
Genome position (GRCh38, 1-based): chr1:237,784,533, T>C. VCF-style: chr1-237784533-T-C. GRCh37 (hg19) VCF-style: chr1-237947833-T-C.
Other names: short protein forms M4274T.
Identifiers: ClinVar variation 3070904 (VCV003070904.1), dbSNP rs2527792813, ClinGen allele CA345414331.

ClinVar aggregate classification (germline): Uncertain significance (1 of 4 stars; one submission).

Conditions:
Catecholaminergic polymorphic ventricular tachycardia (CVPT). Also called: Catecholamine-induced polymorphic ventricular tachycardia. Identifiers: Orphanet 3286, MedGen C5574922, MONDO:0017990.

Submission:

All of Us Research Program, National Institutes of Health
Classification: Uncertain significance for Catecholaminergic polymorphic ventricular tachycardia. Last evaluated: 2023-05-04. Review status: criteria provided, single submitter. Criteria: ACMG Guidelines, 2015. Collection method: clinical testing. Allele origin: germline. Inheritance: Autosomal dominant inheritance. Observed: 1 variant allele, 1 heterozygote.
Comment: This missense variant replaces methionine with threonine at codon 4274 of the RYR2 protein. Computational prediction suggests that this variant may have deleterious impact on protein structure and function (internally defined REVEL score threshold >= 0.7, PMID: 27666373). To our knowledge, functional studies have not been reported for this variant. This variant has not been reported in individuals affected with RYR2-related disorders in the literature. This variant has not been identified in the general population by the Genome Aggregation Database (gnomAD). The available evidence is insufficient to determine the role of this variant in disease conclusively. Therefore, this variant is classified as a Variant of Uncertain Significance.

This study involves interpretation of variants in research participants for the purpose of population health screening. Participant phenotype was not available at the time of variant classification. Additional details can be found in publication PMID: 35346344, PMCID: PMC8962531